The following is an entry in ClinVar:

NM_000257.4(MYH7):c.3424del (p.Glu1142fs)

Gene: MYH7 (myosin heavy chain 7; minus strand). Cytogenetic location: 14q11.2.
Variant type: Deletion.
Coding change: c.3424del on transcript NM_000257.4 (MANE Select); coding-DNA position 3424, one base deleted (G; older notation c.3424delG).
Protein change: p.Glu1142fs; shifts the reading frame from glutamic acid 1142.
Molecular consequence: frameshift variant.
Genome position (GRCh38, 1-based): chr14:23,420,147, C deleted on the plus strand (G on the coding strand, the reverse complement: MYH7 is on the minus strand); the first of 3 consecutive C bases (chr14:23,420,147-23,420,149); deleting any one gives the same sequence. VCF-style (leftmost placement, unchanged base first): chr14-23420146-TC-T. GRCh37 (hg19) VCF-style: chr14-23889355-TC-T.
Other names: short protein forms E1142fs.
Identifiers: ClinVar variation 1426512 (VCV001426512.7), dbSNP rs1352106557, ClinGen allele CA613318048.
Genomic context (GRCh38, chr14:23,420,146, plus strand): 5'-TCGATCTGCACGGACGTGGCCCCGCCGGCCTCTTCCAGCCGCTCGCTGATCTCCTCCAGC[TC>T]CCGAGACAGGTCTGAGCGCAGCTTCTCCACCTTAGCCCTGGCGGTGCGCTCGGCCTCCAG-3'

ClinVar aggregate classification (germline): Uncertain significance. Review status: criteria provided, multiple submitters, no conflicts (2 of 4 stars). 2 submissions from 2 submitters: Uncertain significance (2). Last evaluated 2024-01-10.

Conditions:
Hypertrophic cardiomyopathy. Also called: HYPERTROPHIC MYOCARDIOPATHY. Identifiers: Orphanet 217569, MedGen C0007194, MeSH D002312, MONDO:0005045, HP:0001639.

Submissions (2):

Blueprint Genetics
Classification: Uncertain significance. Last evaluated: 2024-01-10. Review status: criteria provided, single submitter. Criteria: ACMG Guidelines, 2015. Collection method: clinical testing. Allele origin: germline.

Labcorp Genetics (formerly Invitae), Labcorp
Classification: Uncertain significance for Hypertrophic cardiomyopathy. Last evaluated: 2021-04-24. Review status: criteria provided, single submitter. Criteria: Invitae Variant Classification Sherloc (09022015). Collection method: clinical testing. Allele origin: germline.
Comment: This sequence change creates a premature translational stop signal (p.Glu1142Serfs*22) in the MYH7 gene. It is expected to result in an absent or disrupted protein product. However, the current clinical and genetic evidence is not sufficient to establish whether loss-of-function variants in MYH7 cause disease. This variant is not present in population databases (ExAC no frequency). This variant has not been reported in the literature in individuals with MYH7-related conditions. In summary, the available evidence is currently insufficient to determine the role of this variant in disease. Therefore, it has been classified as a Variant of Uncertain Significance.